The following is an entry in ClinVar:

NM_014363.6(SACS):c.8344_8345delinsAT (p.Ala2782Ile)

Gene: SACS (sacsin molecular chaperone; minus strand). Cytogenetic location: 13q12.12.
Variant type: Indel.
Coding change: c.8344_8345delinsAT on transcript NM_014363.6 (MANE Select); coding-DNA positions 8344 to 8345, GC replaced by AT.
Protein change: p.Ala2782Ile; replaces alanine 2782 with isoleucine.
Molecular consequence: missense variant.
Genome position (GRCh38, 1-based): chr13:23,335,531-23,335,532, GC replaced by AT on the plus strand (GC replaced by AT on the coding strand, the reverse complement: SACS is on the minus strand). VCF-style: chr13-23335531-GC-AT. GRCh37 (hg19) VCF-style: chr13-23909670-GC-AT.
Other names: c.7903_7904delinsAT, p.Ala2635Ile (NM_001278055.2); c.8344_8345delinsAT (NM_014363.5); short protein forms A2782I, A2635I.
Identifiers: ClinVar variation 240903 (VCV000240903.11), dbSNP rs386768924, ClinGen allele CA10583062.

ClinVar aggregate classification (germline): Benign. Review status: criteria provided, multiple submitters, no conflicts (2 of 4 stars). 3 submissions from 3 submitters: Benign (3). Last evaluated 2026-01-31.

Conditions:
Spastic paraplegia. Identifiers: MedGen C0037772, HP:0001258.

Submissions (3):

Labcorp Genetics (formerly Invitae), Labcorp
Classification: Benign for Spastic paraplegia. Last evaluated: 2026-01-31. Review status: criteria provided, single submitter. Criteria: Invitae Variant Classification Sherloc (09022015). Collection method: clinical testing. Allele origin: germline.

GeneDx
Classification: Benign. Last evaluated: 2020-08-27. Review status: criteria provided, single submitter. Criteria: GeneDx Variant Classification Process June 2021. Collection method: clinical testing. Allele origin: germline. Affected: yes.
Comment: In silico analysis, which includes protein predictors and evolutionary conservation, supports that this variant does not alter protein structure/function; Has not been previously published as pathogenic or benign to our knowledge

Athena Diagnostics
Classification: Benign. Last evaluated: 2018-12-10. Review status: criteria provided, single submitter. Criteria: Athena Diagnostics Criteria. Collection method: clinical testing. Allele origin: germline.